The following is an entry in ClinVar:

ClinVar aggregate classification (germline): Uncertain significance (1 of 4 stars; one submission).

Conditions:
Hereditary cancer-predisposing syndrome. Also called: Neoplastic Syndromes, Hereditary; Tumor predisposition; Hereditary Cancer Syndrome; Hereditary neoplastic syndrome. Identifiers: Orphanet 140162, MedGen C0027672, MeSH D009386, MONDO:0015356.

Submission:

Ambry Genetics
Classification: Uncertain significance for Hereditary cancer-predisposing syndrome. Last evaluated: 2025-03-28. Review status: criteria provided, single submitter. Criteria: Ambry Variant Classification Scheme 2023. Collection method: clinical testing. Allele origin: germline.
Comment: The p.E589K variant (also known as c.1765G>A), located in coding exon 6 of the BLM gene, results from a G to A substitution at nucleotide position 1765. The glutamic acid at codon 589 is replaced by lysine, an amino acid with similar properties. This amino acid position is well conserved in available vertebrate species. In addition, this alteration is predicted to be tolerated by in silico analysis. Since supporting evidence is limited at this time, the clinical significance of this alteration remains unclear.

NM_000057.4(BLM):c.1765G>A (p.Glu589Lys)

Gene: BLM (BLM RecQ like helicase; plus strand). Cytogenetic location: 15q26.1.
Variant type: single nucleotide variant.
Coding change: c.1765G>A on transcript NM_000057.4 (MANE Select); coding-DNA position 1765, G replaced by A.
Protein change: p.Glu589Lys; replaces glutamic acid 589 with lysine.
Molecular consequence: missense variant.
Genome position (GRCh38, 1-based): chr15:90,761,138, G>A. VCF-style: chr15-90761138-G-A. GRCh37 (hg19) VCF-style: chr15-91304368-G-A.
Other names: c.1765G>A, p.Glu589Lys (NM_001287246.2, NM_001287247.2); c.640G>A, p.Glu214Lys (NM_001287248.2); short protein forms E589K, E214K.
Identifiers: ClinVar variation 1779667 (VCV001779667.3), dbSNP rs2505428852, ClinGen allele CA393843796.